The following is an entry in ClinVar:

ClinVar aggregate classification (germline): Conflicting classifications of pathogenicity. Review status: criteria provided, conflicting classifications (1 of 4 stars). 3 submissions from 3 submitters: Uncertain significance (2); Likely benign (1). Last evaluated 2023-05-16.

Conditions:
Hereditary cancer-predisposing syndrome. Also called: Neoplastic Syndromes, Hereditary; Tumor predisposition; Hereditary neoplastic syndrome; Hereditary Cancer Syndrome. Identifiers: Orphanet 140162, MedGen C0027672, MeSH D009386, MONDO:0015356.
Hereditary breast ovarian cancer syndrome. Also called: BRCA1- and BRCA2-Associated Hereditary Breast and Ovarian Cancer; Hereditary breast and ovarian cancer; Hereditary breast and ovarian cancer syndrome; Hereditary breast and/or ovarian cancer syndrome; Hereditary breast and ovarian cancer syndrome (HBOC); Breast and ovarian cancer. Identifiers: Orphanet 145, MedGen C0677776, MeSH D061325, MONDO:0003582. Disease mechanism: loss of function.
Familial cancer of breast. Also called: hereditary breast carcinoma; Hereditary breast cancer; BREAST CANCER, FAMILIAL. Identifiers: Orphanet 227535, MedGen C0346153, MONDO:0016419, OMIM 114480. Disease mechanism: loss of function.

Allele frequency attached by ClinVar (database versions not stated): ExAC 0.00001.

Submissions (3):

Baylor Genetics
Classification: Uncertain significance for Familial cancer of breast. Last evaluated: 2023-05-16. Review status: criteria provided, single submitter. Criteria: ACMG Guidelines, 2015. Collection method: clinical testing. Allele origin: unknown.

Ambry Genetics
Classification: Likely benign for Hereditary cancer-predisposing syndrome. Last evaluated: 2022-06-08. Review status: criteria provided, single submitter. Criteria: Ambry Variant Classification Scheme 2023. Collection method: clinical testing. Allele origin: germline.

Labcorp Genetics (formerly Invitae), Labcorp
Classification: Uncertain significance for Hereditary breast ovarian cancer syndrome. Last evaluated: 2021-08-28. Review status: criteria provided, single submitter. Criteria: Invitae Variant Classification Sherloc (09022015). Collection method: clinical testing. Allele origin: germline.
Comment: This sequence change replaces proline with threonine at codon 2352 of the BRCA2 protein (p.Pro2352Thr). The proline residue is moderately conserved and there is a small physicochemical difference between proline and threonine. This variant is present in population databases (rs776714935, ExAC 0.01%). This variant has not been reported in the literature in individuals affected with BRCA2-related conditions. Advanced modeling of protein sequence and biophysical properties (such as structural, functional, and spatial information, amino acid conservation, physicochemical variation, residue mobility, and thermodynamic stability) performed at Invitae indicates that this missense variant is not expected to disrupt BRCA2 protein function. In summary, the available evidence is currently insufficient to determine the role of this variant in disease. Therefore, it has been classified as a Variant of Uncertain Significance.

Literature cited by the submitters: PubMed 26898890 (cited by Ambry Genetics); PubMed 31837001 (cited by Ambry Genetics).

NM_000059.4(BRCA2):c.7054C>A (p.Pro2352Thr)

Gene: BRCA2 (BRCA2 DNA repair associated; plus strand). Cytogenetic location: 13q13.1.
Variant type: single nucleotide variant.
Coding change: c.7054C>A on transcript NM_000059.4 (MANE Select); coding-DNA position 7054, C replaced by A.
Protein change: p.Pro2352Thr; replaces proline 2352 with threonine.
Molecular consequence: missense variant.
Genome position (GRCh38, 1-based): chr13:32,354,907, C>A. VCF-style: chr13-32354907-C-A. GRCh37 (hg19) VCF-style: chr13-32929044-C-A.
Other names: short protein forms P2352T.
Identifiers: ClinVar variation 1374354 (VCV001374354.8), dbSNP rs776714935, ClinGen allele CA6941055.
Genomic context (GRCh38, chr13:32,354,907, plus strand): 5'-TCTCCCCATTGCAGCACAACTAAGGAACGTCAAGAGATACAGAATCCAAATTTTACCGCA[C>A]CTGGTCAAGAATTTCTGTCTAAATCTCATTTGTATGAACATCTGACTTTGGAAAAATCTT-3'
Protein context (NP_000050.3, residues 2342-2362): QEIQNPNFTA[Pro2352Thr]GQEFLSKSHL